The following is an entry in ClinVar:

NM_004415.4(DSP):c.5823A>G (p.Lys1941=)

Gene: DSP (desmoplakin; plus strand). Cytogenetic location: 6p24.3.
Variant type: single nucleotide variant.
Coding change: c.5823A>G on transcript NM_004415.4 (MANE Select); coding-DNA position 5823, A replaced by G.
Protein change: p.Lys1941=; no amino-acid change (lysine 1941 retained).
Molecular consequence: synonymous variant.
Genome position (GRCh38, 1-based): chr6:7,583,085, A>G. VCF-style: chr6-7583085-A-G. GRCh37 (hg19) VCF-style: chr6-7583318-A-G.
Other names: c.4026A>G, p.Lys1342= (NM_001008844.3); c.4494A>G, p.Lys1498= (NM_001319034.2).
Identifiers: ClinVar variation 3386694 (VCV003386694.2).

ClinVar aggregate classification (germline): Likely benign. Review status: criteria provided, multiple submitters, no conflicts (2 of 4 stars). 2 submissions from 2 submitters: Likely benign (2). Last evaluated 2024-07-20.

Conditions:
Cardiomyopathy (CMYO). Also called: Cardiomyopathies. Identifiers: Orphanet 167848, MedGen C0878544, MONDO:0004994, HP:0001638. Inheritance: Various modes of inheritance.
Arrhythmogenic cardiomyopathy with wooly hair and keratoderma. Also called: Carvajal syndrome; PALMOPLANTAR KERATODERMA WITH LEFT VENTRICULAR CARDIOMYOPATHY AND WOOLLY HAIR; Dilated cardiomyopathy with woolly hair and keratoderma; Arrhythmogenic cardiomyopathy with woolly hair and keratoderma. Identifiers: Orphanet 65282, MedGen C1854063, MONDO:0011581, OMIM 605676.

gnomAD v4.1: 3 of 1,613,854 alleles (0.00019%); highest among the groups gnomAD compares: African/African-American, 0.004%; no homozygotes.

Submissions (2):

All of Us Research Program, National Institutes of Health
Classification: Likely benign for Arrhythmogenic cardiomyopathy with wooly hair and keratoderma. Last evaluated: 2024-07-20. Review status: criteria provided, single submitter. Criteria: ACMG Guidelines, 2015. Collection method: clinical testing. Allele origin: germline. Inheritance: Autosomal dominant inheritance. Observed: 1 variant allele, 1 heterozygote.
Comment: This study involves interpretation of variants in research participants for the purpose of population health screening. Participant phenotype was not available at the time of variant classification. Additional details can be found in publication PMID: 35346344, PMCID: PMC8962531

Color Diagnostics, LLC DBA Color Health
Classification: Likely benign for Cardiomyopathy. Last evaluated: 2024-07-10. Review status: criteria provided, single submitter. Criteria: ACMG Guidelines, 2015. Collection method: clinical testing. Allele origin: germline.